The following is an entry in ClinVar:

NM_000135.4(FANCA):c.1570T>C (p.Ser524Pro)

Gene: FANCA (FA complementation group A; minus strand). Cytogenetic location: 16q24.3.
Variant type: single nucleotide variant.
Coding change: c.1570T>C on transcript NM_000135.4 (MANE Select); coding-DNA position 1570, T replaced by C.
Protein change: p.Ser524Pro; replaces serine 524 with proline.
Molecular consequence: missense variant.
Genome position (GRCh38, 1-based): chr16:89,782,915, A>G on the plus strand (T>C on the coding strand, the complement: FANCA is on the minus strand). VCF-style: chr16-89782915-A-G. GRCh37 (hg19) VCF-style: chr16-89849323-A-G.
Other names: c.1570T>C, p.Ser524Pro (NM_001286167.3); short protein forms S524P.
Identifiers: ClinVar variation 2801970 (VCV002801970.3), dbSNP rs2544242823, ClinGen allele CA397458029.
Genomic context (GRCh38, chr16:89,782,915, plus strand): 5'-TTACCTCAGTAATGTCCCCAGCTGATGACAAATCCTCGTAGAGTCCCATGTTTTCTATAG[A>G]AACCTTCAGGGAAGACACAGAATGAGAACAAGAAAACAAAGCAGTTTCTGCTGGGACAGG-3'
Protein context (NP_000126.2, residues 514-534): AKTRLADLKV[Ser524Pro]IENMGLYEDL

ClinVar aggregate classification (germline): Uncertain significance (1 of 4 stars; one submission).

Conditions:
Fanconi anemia (FA). Also called: Fanconi's anemia. Identifiers: Orphanet 84, MedGen C0015625, MeSH D005199, MONDO:0019391.

Submission:

Labcorp Genetics (formerly Invitae), Labcorp
Classification: Uncertain significance for Fanconi anemia. Last evaluated: 2025-01-23. Review status: criteria provided, single submitter. Criteria: Invitae Variant Classification Sherloc (09022015). Collection method: clinical testing. Allele origin: germline.
Comment: This sequence change replaces serine, which is neutral and polar, with proline, which is neutral and non-polar, at codon 524 of the FANCA protein (p.Ser524Pro). This variant is not present in population databases (gnomAD no frequency). This variant has not been reported in the literature in individuals affected with FANCA-related conditions. ClinVar contains an entry for this variant (Variation ID: 2801970). Invitae Evidence Modeling of protein sequence and biophysical properties (such as structural, functional, and spatial information, amino acid conservation, physicochemical variation, residue mobility, and thermodynamic stability) indicates that this missense variant is not expected to disrupt FANCA protein function with a negative predictive value of 95%. In summary, the available evidence is currently insufficient to determine the role of this variant in disease. Therefore, it has been classified as a Variant of Uncertain Significance.